The following is an entry in ClinVar:

NM_005869.4(CWC27):c.1401G>C (p.Glu467Asp)

Gene: CWC27 (CWC27 spliceosome associated cyclophilin; plus strand). Cytogenetic location: 5q12.3.
Variant type: single nucleotide variant.
Coding change: c.1401G>C on transcript NM_005869.4 (MANE Select); coding-DNA position 1401, G replaced by C.
Protein change: p.Glu467Asp; replaces glutamic acid 467 with aspartic acid.
Molecular consequence: missense variant. On other transcripts: 3 prime UTR variant (1).
Genome position (GRCh38, 1-based): chr5:65,018,303, G>C. VCF-style: chr5-65018303-G-C. GRCh37 (hg19) VCF-style: chr5-64314130-G-C.
Other names: c.*121G>C (NM_001297644.1); c.1401G>C (NM_005869.2); short protein forms E467D.
Identifiers: ClinVar variation 2121449 (VCV002121449.4), dbSNP rs1238654872, ClinGen allele CA359962133.
Genomic context (GRCh38, chr5:65,018,303, plus strand): 5'-TGATCCTCGGAATCCAGTGAATAAAAGAAGGAGGGAAGAAAGCAAAAAGCTGATGAGAGA[G>C]AAAAAAGAAAGAAGATAAAATGAGAATAATGATAACCAGAACTTGCTGGAAATGTGCCTA-3'
Protein context (NP_005860.2, residues 457-472): RREESKKLMR[Glu467Asp]KKERR

ClinVar aggregate classification (germline): Uncertain significance. Review status: criteria provided, multiple submitters, no conflicts (2 of 4 stars). 2 submissions from 2 submitters: Uncertain significance (2). Last evaluated 2023-05-17.

Conditions:
Inborn genetic diseases. Identifiers: MedGen C0950123, MeSH D030342.

Allele frequency attached by ClinVar (database versions not stated): TOPMed below 0.00001.
gnomAD v4.1: 2 of 1,590,676 alleles (0.00013%); highest among the groups gnomAD compares: East Asian, 0.0023%; no homozygotes.

Submissions (2):

Ambry Genetics
Classification: Uncertain significance for Inborn genetic diseases. Last evaluated: 2023-05-17. Review status: criteria provided, single submitter. Criteria: Ambry Variant Classification Scheme 2023. Collection method: clinical testing. Allele origin: germline.

Labcorp Genetics (formerly Invitae), Labcorp
Classification: Uncertain significance. Last evaluated: 2022-10-04. Review status: criteria provided, single submitter. Criteria: Invitae Variant Classification Sherloc (09022015). Collection method: clinical testing. Allele origin: germline.
Comment: In summary, the available evidence is currently insufficient to determine the role of this variant in disease. Therefore, it has been classified as a Variant of Uncertain Significance. Algorithms developed to predict the effect of missense changes on protein structure and function (SIFT, PolyPhen-2, Align-GVGD) all suggest that this variant is likely to be tolerated. This variant has not been reported in the literature in individuals affected with CWC27-related conditions. This variant is present in population databases (no rsID available, gnomAD 0.007%). This sequence change replaces glutamic acid, which is acidic and polar, with aspartic acid, which is acidic and polar, at codon 467 of the CWC27 protein (p.Glu467Asp).